The following is an entry in ClinVar:

ClinVar aggregate classification (germline): Conflicting classifications of pathogenicity. Review status: criteria provided, conflicting classifications (1 of 4 stars). 6 submissions from 6 submitters: Uncertain significance (4); Benign (1); Likely benign (1). Last evaluated 2026-01-22.

Conditions:
TUBB1-related disorder. Also called: TUBB1-related condition.
Macrothrombocytopenia, isolated, 1, autosomal dominant (MACTHC1). Also called: Autosomal dominant macrothrombocytopenia TUBB1-related. Identifiers: Orphanet 140957, MedGen C5676892, MONDO:0800047, OMIM 613112.

Allele frequency attached by ClinVar (database versions not stated): gnomAD exomes 0.00016 and 0.00031; gnomAD 0.00019; TOPMed 0.00020; ExAC 0.00028; ESP Exome Variant Server 0.00046.

Submissions (6):

Labcorp Genetics (formerly Invitae), Labcorp
Classification: Benign. Last evaluated: 2026-01-22. Review status: criteria provided, single submitter. Criteria: Invitae Variant Classification Sherloc (09022015). Collection method: clinical testing. Allele origin: germline.

GeneDx
Classification: Uncertain significance. Last evaluated: 2026-01-13. Review status: criteria provided, single submitter. Criteria: GeneDx Variant Classification Process June 2021. Collection method: clinical testing. Allele origin: germline. Affected: yes.
Comment: Identified in biobank participants but no in vitro functional studies were included (PMID: 34662886); Nonsense variant predicted to result in protein truncation, as the last 318 amino acids are lost, and other loss-of-function variants have been reported downstream in HGMD; This variant is associated with the following publications: (PMID: 37672871, 34553764, 28008999, 34662886)

Mayo Clinic Laboratories, Mayo Clinic
Classification: Uncertain significance. Last evaluated: 2025-10-17. Review status: criteria provided, single submitter. Criteria: ACMG Guidelines, 2015. Collection method: clinical testing. Allele origin: germline. Observed: 2 variant alleles.
Comment: BS1, PVS1_strong

Revvity Omics, Revvity
Classification: Uncertain significance for Macrothrombocytopenia, isolated, 1, autosomal dominant. Last evaluated: 2025-04-10. Review status: criteria provided, single submitter. Criteria: ACMG Guidelines, 2015. Collection method: clinical testing. Allele origin: germline.

PreventionGenetics, part of Exact Sciences
Classification: Likely benign for TUBB1-related condition. Last evaluated: 2024-12-11. Review status: criteria provided, single submitter. Criteria: ACMG Guidelines, 2015. Collection method: clinical testing. Allele origin: germline.
Comment: This variant is classified as likely benign based on ACMG/AMP sequence variant interpretation guidelines (Richards et al. 2015 PMID: 25741868, with internal and published modifications).

Genetic Services Laboratory, University of Chicago
Classification: Uncertain significance. Last evaluated: 2018-10-11. Review status: criteria provided, single submitter. Criteria: ACMG Guidelines, 2015. Collection method: clinical testing. Allele origin: germline. Affected: no.

Literature cited by the submitters: PubMed 34662886 (cited by Mayo Clinic Laboratories, Mayo Clinic).

NM_030773.4(TUBB1):c.400C>T (p.Gln134Ter)

Gene: TUBB1 (tubulin beta 1 class VI; plus strand). Cytogenetic location: 20q13.32.
Variant type: single nucleotide variant.
Coding change: c.400C>T on transcript NM_030773.4 (MANE Select); coding-DNA position 400, C replaced by T.
Protein change: p.Gln134Ter; replaces glutamine 134 with a stop codon.
Molecular consequence: nonsense.
Genome position (GRCh38, 1-based): chr20:59,023,827, C>T. VCF-style: chr20-59023827-C-T. GRCh37 (hg19) VCF-style: chr20-57598882-C-T.
Other names: p.Gln134*; short protein forms Q134*.
Identifiers: ClinVar variation 1338448 (VCV001338448.14), dbSNP rs199948010, ClinGen allele CA9928497.